The following is an entry in ClinVar:

ClinVar aggregate classification (germline): Uncertain significance. Review status: criteria provided, multiple submitters, no conflicts (2 of 4 stars). 2 submissions from 2 submitters: Uncertain significance (2). Last evaluated 2025-09-18.

Conditions:
Polycystic kidney disease, adult type (PKD1). Also called: POLYCYSTIC KIDNEY DISEASE, ADULT, TYPE I; Polycystic Kidney Disease 1, Autosomal Dominant; Polycystic kidney disease 1; Polycystic kidney disease 1, severe; Polycystic Kidney, Autosomal Dominant; POLYCYSTIC KIDNEY DISEASE 1 WITH OR WITHOUT POLYCYSTIC LIVER DISEASE. Identifiers: MedGen C3149841, MONDO:0008263, OMIM 173900.

Submissions (2):

Victorian Clinical Genetics Services, Murdoch Childrens Research Institute
Classification: Uncertain significance for Polycystic kidney disease, adult type. Last evaluated: 2025-09-18. Review status: criteria provided, single submitter. Criteria: ACMG Guidelines, 2015. Collection method: clinical testing. Allele origin: germline. Affected: yes.
Comment: This variant is classified as VUS-3A. Evidence in support of pathogenic classification: Variant is absent from gnomAD (v2, v3 and v4); Missense variant predicted to be damaging by in silico tool(s) or highly conserved with a major amino acid change. Additional information: Variant is predicted to result in a missense amino acid change from His to Pro; This variant is heterozygous; This gene is associated with autosomal dominant disease. Polycystic kidney disease 1 (MIM#173900) is predominantly caused by monoallelic variants, with rare reports of biallelic variants causing disease (OMIM); Previous evidence of pathogenicity for this variant is inconclusive. This variant has been classified as a VUS by a clinical laboratory in ClinVar; No published evidence of segregation with disease has been identified for this variant; No published functional evidence has been identified for this variant; Another missense variant(s) comparable to the one identified in this case has inconclusive previous evidence for pathogenicity. p.(His3261Arg) has been reported in the literature as a VUS in a Spanish ADPKD cohort (PMID: 38541974); Variant is not located in an established domain, motif, hotspot or informative constraint region; Loss of function is a known mechanism of disease in this gene and is associated with polycystic kidney disease 1 (MIM#173900); Inheritance information for this variant is not currently available in this individual.

Juno Genomics, Hangzhou Juno Genomics, Inc
Classification: Uncertain significance for Polycystic kidney disease, adult type. Review status: criteria provided, single submitter. Criteria: ACMG Guidelines, 2015. Collection method: clinical testing. Allele origin: germline. Affected: yes.
Comment: Absent from controls (or at extremely low frequency if recessive) in Genome Aggregation Database, Exome Sequencing Project, 1000 Genomes Project, or Exome Aggregation Consortium.;Multiple lines of computational evidence support a deleterious effect on the gene or gene product (conservation, evolutionary, splicing impact, etc).

Literature cited by the submitters: PubMed 38541974 (cited by Victorian Clinical Genetics Services, Murdoch Childrens Research Institute).

NM_001009944.3(PKD1):c.9782A>C (p.His3261Pro)

Gene: PKD1 (polycystin 1, transient receptor potential channel interacting; minus strand). Cytogenetic location: 16p13.3.
Variant type: single nucleotide variant.
Coding change: c.9782A>C on transcript NM_001009944.3 (MANE Select); coding-DNA position 9782, A replaced by C.
Protein change: p.His3261Pro; replaces histidine 3261 with proline.
Molecular consequence: missense variant.
Genome position (GRCh38, 1-based): chr16:2,100,002, T>G on the plus strand (A>C on the coding strand, the complement: PKD1 is on the minus strand). VCF-style: chr16-2100002-T-G. GRCh37 (hg19) VCF-style: chr16-2150003-T-G.
Other names: c.9782A>C, p.His3261Pro (NM_000296.4); short protein forms H3261P.
Identifiers: ClinVar variation 3381852 (VCV003381852.4).
Genomic context (GRCh38, chr16:2,100,002, plus strand): 5'-GCCCTCTGGATGCGAGTGAAACGGCTACGAGGCGGCCGGTCCCATATGGAGAGCCAGATG[T>G]GCTTGTCAAAGAAGCCACGCTGCAGCTCAGCCACCAGCAGGCGCCGGAAGCGCAAAAGGG-3'
Protein context (NP_001009944.3, residues 3251-3271): AELQRGFFDK[His3261Pro]IWLSIWDRPP